The following is an entry in ClinVar:

ClinVar aggregate classification (germline): Pathogenic/Likely pathogenic. Review status: criteria provided, multiple submitters, no conflicts (2 of 4 stars). 2 submissions from 2 submitters: Pathogenic (1); Likely pathogenic (1). Last evaluated 2024-03-19.

Conditions:
Hereditary cancer-predisposing syndrome. Also called: Hereditary neoplastic syndrome; Neoplastic Syndromes, Hereditary; Tumor predisposition; Hereditary Cancer Syndrome. Identifiers: Orphanet 140162, MedGen C0027672, MeSH D009386, MONDO:0015356.
Ataxia-telangiectasia-like disorder 1 (ATLD1). Identifiers: Orphanet 251347, MedGen C4012790, MONDO:0024557, OMIM 604391.

Allele frequency attached by ClinVar (database versions not stated): gnomAD exomes below 0.00001 and 0.00001.

Submissions (2):

Baylor Genetics
Classification: Likely pathogenic for Ataxia-telangiectasia-like disorder 1. Last evaluated: 2024-03-19. Review status: criteria provided, single submitter. Criteria: ACMG Guidelines, 2015. Collection method: clinical testing. Allele origin: unknown.

Ambry Genetics
Classification: Pathogenic for Hereditary cancer-predisposing syndrome. Last evaluated: 2017-06-14. Review status: criteria provided, single submitter. Criteria: Ambry Variant Classification Scheme 2023. Collection method: clinical testing. Allele origin: germline.
Comment: The c.1135dupC pathogenic mutation, located in coding exon 10 of the MRE11A gene, results from a duplication of C at nucleotide position 1135, causing a translational frameshift with a predicted alternate stop codon (p.L379Pfs*4). This alteration is expected to result in loss of function by premature protein truncation or nonsense-mediated mRNA decay. As such, this alteration is interpreted as a disease-causing mutation.

NM_005591.4(MRE11):c.1135dup (p.Leu379fs)

Gene: MRE11 (MRE11 double strand break repair nuclease; minus strand). Cytogenetic location: 11q21.
Variant type: Duplication.
Coding change: c.1135dup on transcript NM_005591.4 (MANE Select); coding-DNA position 1135, one base duplicated (C; older notation c.1135dupC).
Protein change: p.Leu379fs; shifts the reading frame from leucine 379.
Molecular consequence: frameshift variant.
Genome position (GRCh38, 1-based): chr11:94,464,203, G duplicated on the plus strand (C on the coding strand, the reverse complement: MRE11 is on the minus strand). VCF-style (leftmost placement, unchanged base first): chr11-94464202-A-AG. GRCh37 (hg19) VCF-style: chr11-94197368-A-AG.
Other names: c.1135dup, p.Leu379fs (NM_001330347.2, NM_005590.4); c.1135dupC (NM_005591.3); short protein forms L379fs.
Identifiers: ClinVar variation 186193 (VCV000186193.6), dbSNP rs786202764, ClinGen allele CA194116.